The following is an entry in ClinVar:

ClinVar aggregate classification (germline): Pathogenic (1 of 4 stars; one submission).

Conditions:
Hereditary insensitivity to pain with anhidrosis (CIPA). Also called: HSAN Type IV; NEUROPATHY, CONGENITAL SENSORY, WITH ANHIDROSIS; NTRK1 Congenital Insensitivity to Pain with Anhidrosis; INSENSITIVITY TO PAIN, CONGENITAL, WITH ANHIDROSIS; hereditary sensory and autonomic neuropathy type 4; FAMILIAL DYSAUTONOMIA, TYPE II. Identifiers: Orphanet 642, MedGen C0020074, MONDO:0009746, OMIM 256800.

Allele frequency attached by ClinVar (database versions not stated): gnomAD 0.00001; TOPMed 0.00001.

Submission:

Labcorp Genetics (formerly Invitae), Labcorp
Classification: Pathogenic for Hereditary insensitivity to pain with anhidrosis. Last evaluated: 2023-08-07. Review status: criteria provided, single submitter. Criteria: Invitae Variant Classification Sherloc (09022015). Collection method: clinical testing. Allele origin: germline.
Comment: For these reasons, this variant has been classified as Pathogenic. ClinVar contains an entry for this variant (Variation ID: 1433100). This variant has not been reported in the literature in individuals affected with NTRK1-related conditions. This variant is not present in population databases (gnomAD no frequency). This sequence change creates a premature translational stop signal (p.Gly655*) in the NTRK1 gene. It is expected to result in an absent or disrupted protein product. Loss-of-function variants in NTRK1 are known to be pathogenic (PMID: 10982191).

Literature cited by the submitters: PubMed 10982191.

NM_002529.4(NTRK1):c.1981G>T (p.Gly661Ter)

Gene: NTRK1 (neurotrophic receptor tyrosine kinase 1; plus strand). Cytogenetic location: 1q23.1.
Variant type: single nucleotide variant.
Coding change: c.1981G>T on transcript NM_002529.4 (MANE Select); coding-DNA position 1981, G replaced by T.
Protein change: p.Gly661Ter; replaces glycine 661 with a stop codon.
Molecular consequence: nonsense.
Genome position (GRCh38, 1-based): chr1:156,879,297, G>T. VCF-style: chr1-156879297-G-T. GRCh37 (hg19) VCF-style: chr1-156849089-G-T.
Other names: c.1873G>T, p.Gly625Ter (NM_001007792.1); c.1963G>T, p.Gly655Ter (NM_001012331.2); short protein forms G625*, G655*, G661*.
Identifiers: ClinVar variation 1433100 (VCV001433100.6), dbSNP rs1310506980, ClinGen allele CA342939963.